The following is an entry in ClinVar:

ClinVar aggregate classification (germline): Uncertain significance (1 of 4 stars; one submission).

Submission:

Labcorp Genetics (formerly Invitae), Labcorp
Classification: Uncertain significance. Last evaluated: 2024-08-27. Review status: criteria provided, single submitter. Criteria: Invitae Variant Classification Sherloc (09022015). Collection method: clinical testing. Allele origin: germline.
Comment: This sequence change replaces glycine, which is neutral and non-polar, with serine, which is neutral and polar, at codon 182 of the FLVCR1 protein (p.Gly182Ser). This variant is not present in population databases (gnomAD no frequency). This variant has not been reported in the literature in individuals affected with FLVCR1-related conditions. Invitae Evidence Modeling of protein sequence and biophysical properties (such as structural, functional, and spatial information, amino acid conservation, physicochemical variation, residue mobility, and thermodynamic stability) indicates that this missense variant is not expected to disrupt FLVCR1 protein function with a negative predictive value of 80%. In summary, the available evidence is currently insufficient to determine the role of this variant in disease. Therefore, it has been classified as a Variant of Uncertain Significance.

NM_014053.4(FLVCR1):c.544G>A (p.Gly182Ser)

Gene: FLVCR1 (FLVCR choline and heme transporter 1; plus strand). Cytogenetic location: 1q32.3.
Variant type: single nucleotide variant.
Coding change: c.544G>A on transcript NM_014053.4 (MANE Select); coding-DNA position 544, G replaced by A.
Protein change: p.Gly182Ser; replaces glycine 182 with serine.
Molecular consequence: missense variant.
Genome position (GRCh38, 1-based): chr1:212,858,996, G>A. VCF-style: chr1-212858996-G-A. GRCh37 (hg19) VCF-style: chr1-213032338-G-A.
Other names: short protein forms G182S.
Identifiers: ClinVar variation 3691194 (VCV003691194.2).